The following is an entry in ClinVar:

ClinVar aggregate classification (germline): Conflicting classifications of pathogenicity. Review status: criteria provided, conflicting classifications (1 of 4 stars). 2 submissions from 2 submitters: Uncertain significance (1); Benign (1). Last evaluated 2026-08-01.

Conditions:
Brain small vessel disease 1 with or without ocular anomalies (BSVD1). Also called: Brain small vessel disease with or without ocular anomalies; BRAIN SMALL VESSEL DISEASE WITH HEMORRHAGE; GOULD SYNDROME 1; PORENCEPHALY, TYPE 1, AUTOSOMAL DOMINANT. Identifiers: Orphanet 2940, Orphanet 36383, Orphanet 99810, MedGen C4755307, MONDO:0008289, OMIM 175780.

Allele frequency attached by ClinVar (database versions not stated): 1000 Genomes Project 0.00020; 1000 Genomes Project 30x 0.00047; gnomAD 0.00225 and 0.00227; TOPMed 0.00241.
gnomAD v4.1: 3,352 of 931,750 alleles (0.36%); highest among the groups gnomAD compares: Non-Finnish European, 0.42%; 16 homozygotes.

Submissions (2):

CeGaT Center for Human Genetics Tuebingen
Classification: Benign. Last evaluated: 2026-08-01. Review status: criteria provided, single submitter. Criteria: CeGaT Center For Human Genetics Tuebingen Variant Classification Criteria Version 2. Collection method: clinical testing. Allele origin: germline. Affected: yes. Observed: 30 variant alleles.
Comment: COL4A1: BS1, BS2

Illumina Laboratory Services, Illumina
Classification: Uncertain significance for Brain small vessel disease 1 with or without ocular anomalies. Last evaluated: 2018-01-13. Review status: criteria provided, single submitter. Criteria: ICSL Variant Classification Criteria 13 December 2019. Collection method: clinical testing. Allele origin: germline.

NM_001845.6(COL4A1):c.-103G>A

Gene: COL4A1 (collagen type IV alpha 1 chain; minus strand). Cytogenetic location: 13q34.
Variant type: single nucleotide variant.
Coding change: c.-103G>A on transcript NM_001845.6 (MANE Select); 103 bases upstream of the start codon, G replaced by A.
Molecular consequence: 5 prime UTR variant.
Genome position (GRCh38, 1-based): chr13:110,307,130, C>T on the plus strand (G>A on the coding strand, the complement: COL4A1 is on the minus strand). VCF-style: chr13-110307130-C-T. GRCh37 (hg19) VCF-style: chr13-110959477-C-T.
Other names: c.-103G>A (NM_001303110.2).
Identifiers: ClinVar variation 311088 (VCV000311088.37), dbSNP rs538721412, ClinGen allele CA10643749.